The following is an entry in ClinVar:

NM_001353345.2(SETD1B):c.3008C>T (p.Ala1003Val)

Gene: SETD1B (SET domain containing 1B, histone lysine methyltransferase; plus strand). Cytogenetic location: 12q24.31.
Variant type: single nucleotide variant.
Coding change: c.3008C>T on transcript NM_001353345.2 (MANE Select); coding-DNA position 3008, C replaced by T.
Protein change: p.Ala1003Val; replaces alanine 1003 with valine.
Molecular consequence: missense variant.
Genome position (GRCh38, 1-based): chr12:121,817,400, C>T. VCF-style: chr12-121817400-C-T. GRCh37 (hg19) VCF-style: chr12-122255306-C-T.
Other names: NM_015048.1:c.3008C>T; short protein forms A1003V.
Identifiers: ClinVar variation 2635478 (VCV002635478.1), dbSNP rs2500212798, ClinGen allele CA386995933.

ClinVar aggregate classification (germline): Uncertain significance (1 of 4 stars; one submission).

Conditions:
SETD1B-related disorder. Also called: SETD1B-related condition.

Submission:

PreventionGenetics, part of Exact Sciences
Classification: Uncertain significance for SETD1B-related condition. Last evaluated: 2022-10-24. Review status: criteria provided, single submitter. Criteria: ACMG Guidelines, 2015. Collection method: clinical testing. Allele origin: germline.
Comment: The SETD1B c.3008C>T variant is predicted to result in the amino acid substitution p.Ala1003Val. To our knowledge, this variant has not been reported in the literature or in a large population database, indicating this variant is rare. At this time, the clinical significance of this variant is uncertain due to the absence of conclusive functional and genetic evidence.